The following is an entry in ClinVar:

ClinVar aggregate classification (germline): Likely pathogenic (1 of 4 stars; one submission).

Conditions:
Autosomal recessive nonsyndromic hearing loss 4 (DFNB4). Also called: Deafness, autosomal recessive 4; FOXI1-Related Pendred Syndrome; KCNJ10-Related Pendred Syndrome; DEAFNESS, AUTOSOMAL RECESSIVE 4, WITH ENLARGED VESTIBULAR AQUEDUCT, DIGENIC; NEUROSENSORY NONSYNDROMIC RECESSIVE DEAFNESS 4; Nonsyndromic enlarged vestibular aqueduct (NSEVA). Identifiers: Orphanet 90636, MedGen C3538946, MONDO:0010933, OMIM 600791.

Submission:

Institute of Rare Diseases, West China Hospital, Sichuan University
Classification: Likely pathogenic for Autosomal recessive nonsyndromic hearing loss 4. Last evaluated: 2025-01-09. Review status: criteria provided, single submitter. Criteria: ClinGen HL ACMG Specifications v1. Collection method: research. Allele origin: germline. Affected: yes.
Comment: PM3;PM5;PM2_Supporting;PP3

NM_000441.2(SLC26A4):c.1984T>C (p.Cys662Arg)

Gene: SLC26A4 (solute carrier family 26 member 4; plus strand). Cytogenetic location: 7q22.3.
Variant type: single nucleotide variant.
Coding change: c.1984T>C on transcript NM_000441.2 (MANE Select); coding-DNA position 1984, T replaced by C.
Protein change: p.Cys662Arg; replaces cysteine 662 with arginine.
Molecular consequence: missense variant.
Genome position (GRCh38, 1-based): chr7:107,702,007, T>C. VCF-style: chr7-107702007-T-C. GRCh37 (hg19) VCF-style: chr7-107342452-T-C.
Other names: short protein forms C662R.
Identifiers: ClinVar variation 3601757 (VCV003601757.1).